The following is an entry in ClinVar:

ClinVar aggregate classification (germline): Uncertain significance (1 of 4 stars; one submission).

Conditions:
Hypertrophic cardiomyopathy. Also called: HYPERTROPHIC MYOCARDIOPATHY. Identifiers: Orphanet 217569, MedGen C0007194, MeSH D002312, MONDO:0005045, HP:0001639.

Allele frequency attached by ClinVar (database versions not stated): TOPMed 0.00001.

Submission:

Labcorp Genetics (formerly Invitae), Labcorp
Classification: Uncertain significance for Hypertrophic cardiomyopathy. Last evaluated: 2021-07-02. Review status: criteria provided, single submitter. Criteria: Invitae Variant Classification Sherloc (09022015). Collection method: clinical testing. Allele origin: germline.
Comment: In summary, the available evidence is currently insufficient to determine the role of this variant in disease. Therefore, it has been classified as a Variant of Uncertain Significance. Algorithms developed to predict the effect of missense changes on protein structure and function output the following: SIFT: "Tolerated"; PolyPhen-2: "Not Available"; Align-GVGD: "Class C0". The arginine amino acid residue is found in multiple mammalian species, which suggests that this missense change does not adversely affect protein function. This variant has not been reported in the literature in individuals affected with TNNI3-related conditions. This variant is not present in population databases (ExAC no frequency). This sequence change replaces glycine with arginine at codon 4 of the TNNI3 protein (p.Gly4Arg). The glycine residue is weakly conserved and there is a moderate physicochemical difference between glycine and arginine.

NM_000363.5(TNNI3):c.10G>A (p.Gly4Arg)

Gene: TNNI3 (troponin I3, cardiac type; minus strand). Cytogenetic location: 19q13.42.
Variant type: single nucleotide variant.
Coding change: c.10G>A on transcript NM_000363.5 (MANE Select); coding-DNA position 10, G replaced by A.
Protein change: p.Gly4Arg; replaces glycine 4 with arginine.
Molecular consequence: missense variant.
Genome position (GRCh38, 1-based): chr19:55,157,580, C>T on the plus strand (G>A on the coding strand, the complement: TNNI3 is on the minus strand). VCF-style: chr19-55157580-C-T. GRCh37 (hg19) VCF-style: chr19-55668948-C-T.
Other names: short protein forms G4R.
Identifiers: ClinVar variation 1365155 (VCV001365155.6), dbSNP rs1327794718, ClinGen allele CA407443510.